The following is an entry in ClinVar:

NM_000089.4(COL1A2):c.328C>G (p.Pro110Ala)

Gene: COL1A2 (collagen type I alpha 2 chain; plus strand). Cytogenetic location: 7q21.3.
Variant type: single nucleotide variant.
Coding change: c.328C>G on transcript NM_000089.4 (MANE Select); coding-DNA position 328, C replaced by G.
Protein change: p.Pro110Ala; replaces proline 110 with alanine.
Molecular consequence: missense variant.
Genome position (GRCh38, 1-based): chr7:94,404,696, C>G. VCF-style: chr7-94404696-C-G. GRCh37 (hg19) VCF-style: chr7-94034008-C-G.
Other names: short protein forms P110A.
Identifiers: ClinVar variation 3749038 (VCV003749038.2).

ClinVar aggregate classification (germline): Uncertain significance (1 of 4 stars; one submission).

Conditions:
Ehlers-Danlos syndrome, classic type, 1 (EDSCL1). Also called: EHLERS-DANLOS SYNDROME, GRAVIS TYPE; EHLERS-DANLOS SYNDROME, SEVERE CLASSIC TYPE; Ehlers-Danlos syndrome, type 1; Ehlers-Danlos Syndrome, Classic Type, COL5A1-Related; EDS I. Identifiers: MedGen C0268335, MONDO:0019567, OMIM 130000.
Osteogenesis imperfecta type I (OI1). Also called: OI, TYPE I; OSTEOGENESIS IMPERFECTA TARDA; OSTEOGENESIS IMPERFECTA WITH BLUE SCLERAE; Osteogenesis imperfecta type 1; Lobstein's Disease; Lobstein disease. Identifiers: Orphanet 216796, Orphanet 666, MedGen C0023931, MONDO:0008146, OMIM 166200. Disease mechanism: loss of function.

Submission:

Labcorp Genetics (formerly Invitae), Labcorp
Classification: Uncertain significance for Osteogenesis imperfecta type I; Ehlers-Danlos syndrome, classic type, 1. Last evaluated: 2024-09-29. Review status: criteria provided, single submitter. Criteria: Invitae Variant Classification Sherloc (09022015). Collection method: clinical testing. Allele origin: germline.
Comment: This sequence change replaces proline, which is neutral and non-polar, with alanine, which is neutral and non-polar, at codon 110 of the COL1A2 protein (p.Pro110Ala). This variant is not present in population databases (gnomAD no frequency). This variant has not been reported in the literature in individuals affected with COL1A2-related conditions. Invitae Evidence Modeling of protein sequence and biophysical properties (such as structural, functional, and spatial information, amino acid conservation, physicochemical variation, residue mobility, and thermodynamic stability) indicates that this missense variant is not expected to disrupt COL1A2 protein function with a negative predictive value of 80%. In summary, the available evidence is currently insufficient to determine the role of this variant in disease. Therefore, it has been classified as a Variant of Uncertain Significance.